The following is an entry in ClinVar:

NM_017947.4(MOCOS):c.1335+1G>T

Gene: MOCOS (molybdenum cofactor sulfurase; plus strand). Cytogenetic location: 18q12.2.
Variant type: single nucleotide variant.
Coding change: c.1335+1G>T on transcript NM_017947.4 (MANE Select); the canonical splice donor site of the intron after coding-DNA position 1335, G replaced by T.
Molecular consequence: splice donor variant.
Genome position (GRCh38, 1-based): chr18:36,213,483, G>T. VCF-style: chr18-36213483-G-T. GRCh37 (hg19) VCF-style: chr18-33793446-G-T.
Identifiers: ClinVar variation 1179104 (VCV001179104.2), dbSNP rs1318625944, ClinGen allele CA402219718.
Genomic context (GRCh38, chr18:36,213,483, plus strand): 5'-ACTGGGGCCTGCCAGAGGCACCTGGGCATAAGCAACGAGATGGTCAGGAAGCATTTTCAG[G>T]TTGGTACAGGGCTCTGCGATCCAGACGCTGGTCAGCGAGACCCAGCAACACCTGTTGCTG-3'

ClinVar aggregate classification (germline): Likely pathogenic (1 of 4 stars; one submission).

Conditions:
Xanthinuria type II. Also called: Xanthine dehydrogenase and aldehyde oxidase combined deficiency of; XDH and AOX dual deficiency. Identifiers: Orphanet 3467, Orphanet 93602, MedGen C1863688, MONDO:0011346, OMIM 603592.

Allele frequency attached by ClinVar (database versions not stated): gnomAD exomes below 0.00001; gnomAD 0.00001; TOPMed 0.00001.
gnomAD v4.1: 2 of 1,611,496 alleles (0.00012%); highest among the groups gnomAD compares: African/African-American, 0.0027%; no homozygotes.

Submission:

Fulgent Genetics
Classification: Likely pathogenic for Xanthinuria type II. Last evaluated: 2021-06-30. Review status: criteria provided, single submitter. Criteria: ACMG Guidelines, 2015. Collection method: clinical testing. Allele origin: unknown.
Comment: This variant has been detected in individual(s) who were sent for testing of Renasight - kidney gene panel.